The following is an entry in ClinVar:

NM_015001.3(SPEN):c.8220C>T (p.Thr2740=)

Gene: SPEN (spen family transcriptional repressor; plus strand). Cytogenetic location: 1p36.13.
Variant type: single nucleotide variant.
Coding change: c.8220C>T on transcript NM_015001.3 (MANE Select); coding-DNA position 8220, C replaced by T.
Protein change: p.Thr2740=; no amino-acid change (threonine 2740 retained).
Molecular consequence: synonymous variant.
Genome position (GRCh38, 1-based): chr1:15,934,460, C>T. VCF-style: chr1-15934460-C-T. GRCh37 (hg19) VCF-style: chr1-16260955-C-T.
Identifiers: ClinVar variation 3388458 (VCV003388458.14).

ClinVar aggregate classification (germline): Likely benign (1 of 4 stars; one submission).

gnomAD v4.1: 57 of 1,613,860 alleles (0.0035%); highest among the groups gnomAD compares: African/African-American, 0.0093%; no homozygotes.

Submission:

CeGaT Center for Human Genetics Tuebingen
Classification: Likely benign. Last evaluated: 2024-09-01. Review status: criteria provided, single submitter. Criteria: CeGaT Center For Human Genetics Tuebingen Variant Classification Criteria Version 2. Collection method: clinical testing. Allele origin: germline. Affected: yes. Observed: 1 variant allele.
Comment: SPEN: BP4, BP7